The following is an entry in ClinVar:

ClinVar aggregate classification (germline): Likely benign. Review status: criteria provided, multiple submitters, no conflicts (2 of 4 stars). 3 submissions from 3 submitters: Likely benign (3). Last evaluated 2025-09-30.

Conditions:
NUP133-related disorder. Also called: NUP133-related condition.

Allele frequency attached by ClinVar (database versions not stated): gnomAD exomes 0.00005; gnomAD 0.00014; TOPMed 0.00014; ExAC 0.00028.
gnomAD v4.1: 102 of 1,592,624 alleles (0.0064%); highest among the groups gnomAD compares: Admixed American, 0.13%; no homozygotes.

Submissions (3):

Labcorp Genetics (formerly Invitae), Labcorp
Classification: Likely benign. Last evaluated: 2025-09-30. Review status: criteria provided, single submitter. Criteria: Invitae Variant Classification Sherloc (09022015). Collection method: clinical testing. Allele origin: germline.

PreventionGenetics, part of Exact Sciences
Classification: Likely benign for NUP133-related condition. Last evaluated: 2025-07-11. Review status: criteria provided, single submitter. Criteria: ACMG Guidelines, 2015. Collection method: clinical testing. Allele origin: germline.
Comment: This variant is classified as likely benign based on ACMG/AMP sequence variant interpretation guidelines (Richards et al. 2015 PMID: 25741868, with internal and published modifications).

Women's Health and Genetics/Laboratory Corporation of America, LabCorp
Classification: Likely benign. Last evaluated: 2025-07-09. Review status: criteria provided, single submitter. Criteria: LabCorp Variant Classification Summary - May 2015. Collection method: clinical testing. Allele origin: germline.
Comment: Variant summary: NUP133 c.3399C>T results in a synonymous change. Consensus agreement among computation tools predict no significant impact on normal splicing. However, these predictions have yet to be confirmed by functional studies. The variant allele was found at a frequency of 0.00024 in 230564 control chromosomes. This frequency is not significantly higher than estimated for a pathogenic variant in NUP133 causing NUP133-Related Disorders, allowing no conclusion about variant significance. To our knowledge, no occurrence of c.3399C>T in individuals affected with NUP133-Related Disorders and no experimental evidence demonstrating its impact on protein function have been reported. ClinVar contains an entry for this variant (Variation ID: 2715206). Based on the evidence outlined above, the variant was classified as likely benign.

NM_018230.3(NUP133):c.3399C>T (p.Ser1133=)

Gene: NUP133 (nucleoporin 133; minus strand). Cytogenetic location: 1q42.13.
Variant type: single nucleotide variant.
Coding change: c.3399C>T on transcript NM_018230.3 (MANE Select); coding-DNA position 3399, C replaced by T.
Protein change: p.Ser1133=; no amino-acid change (serine 1133 retained).
Molecular consequence: synonymous variant.
Genome position (GRCh38, 1-based): chr1:229,441,976, G>A on the plus strand (C>T on the coding strand, the complement: NUP133 is on the minus strand). VCF-style: chr1-229441976-G-A. GRCh37 (hg19) VCF-style: chr1-229577723-G-A.
Other names: c.3399C>T (NM_018230.2).
Identifiers: ClinVar variation 2715206 (VCV002715206.5), dbSNP rs78252648, ClinGen allele CA1443002.